The following is an entry in ClinVar:

ClinVar aggregate classification (germline): Benign (1 of 4 stars; one submission).

Allele frequency attached by ClinVar (database versions not stated): gnomAD 0.04492 and 0.04791; 1000 Genomes Project 0.05012; TOPMed 0.05112; 1000 Genomes Project 30x 0.05309.

Submission:

GeneDx
Classification: Benign. Last evaluated: 2018-06-15. Review status: criteria provided, single submitter. Criteria: GeneDx Variant Classification (06012015). Collection method: clinical testing. Allele origin: germline. Affected: yes.
Comment: This variant is considered likely benign or benign based on one or more of the following criteria: it is a conservative change, it occurs at a poorly conserved position in the protein, it is predicted to be benign by multiple in silico algorithms, and/or has population frequency not consistent with disease.

NM_003002.4(SDHD):c.315-1405del

Gene: SDHD (succinate dehydrogenase complex subunit D; plus strand). Cytogenetic location: 11q23.1.
Variant type: Deletion.
Coding change: c.315-1405del on transcript NM_003002.4 (MANE Select); 1405 bases into the intron before coding-DNA position 315, one base deleted (A; older notation c.315-1405delA).
Molecular consequence: intron variant.
Genome position (GRCh38, 1-based): chr11:112,093,400, A deleted. VCF-style (leftmost placement, unchanged base first): chr11-112093399-CA-C. GRCh37 (hg19) VCF-style: chr11-111964123-CA-C.
Other names: c.12+191del (NM_001276506.2); c.170-1405del (NM_001276503.2); c.198-1405del (NM_001276504.2).
Identifiers: ClinVar variation 679731 (VCV000679731.1), dbSNP rs111885447, ClinGen allele CA228554644.